The following is an entry in ClinVar:

ClinVar aggregate classification (germline): Likely pathogenic. Review status: criteria provided, multiple submitters, no conflicts (2 of 4 stars). 2 submissions from 2 submitters: Likely pathogenic (2). Last evaluated 2024-02-13.

Conditions:
DNAH5-related disorders.
Primary ciliary dyskinesia. Also called: Ciliary dyskinesia. Identifiers: Orphanet 244, MedGen C0008780, MONDO:0016575, HP:0012265.

Submissions (2):

Blueprint Genetics
Classification: Likely pathogenic for DNAH5-related disorders. Last evaluated: 2024-02-13. Review status: criteria provided, single submitter. Criteria: ACMG Guidelines, 2015. Collection method: clinical testing. Allele origin: germline. Affected: yes. Observed: 2 variant alleles.

Labcorp Genetics (formerly Invitae), Labcorp
Classification: Likely pathogenic for Primary ciliary dyskinesia. Last evaluated: 2024-02-01. Review status: criteria provided, single submitter. Criteria: Invitae Variant Classification Sherloc (09022015). Collection method: clinical testing. Allele origin: germline.
Comment: This sequence change affects an acceptor splice site in intron 57 of the DNAH5 gene. It is expected to disrupt RNA splicing. Variants that disrupt the donor or acceptor splice site typically lead to a loss of protein function (PMID: 16199547), and loss-of-function variants in DNAH5 are known to be pathogenic (PMID: 11788826, 16627867). This variant is not present in population databases (gnomAD no frequency). This variant has not been reported in the literature in individuals affected with DNAH5-related conditions. Algorithms developed to predict the effect of sequence changes on RNA splicing suggest that this variant may disrupt the consensus splice site. In summary, the currently available evidence indicates that the variant is pathogenic, but additional data are needed to prove that conclusively. Therefore, this variant has been classified as Likely Pathogenic.

Literature cited by the submitters: PubMed 16199547 (cited by Labcorp Genetics (formerly Invitae), Labcorp); PubMed 11788826 (cited by Labcorp Genetics (formerly Invitae), Labcorp); PubMed 16627867 (cited by Labcorp Genetics (formerly Invitae), Labcorp).

NM_001369.3(DNAH5):c.9721-1G>C

Gene: DNAH5 (dynein axonemal heavy chain 5; minus strand). Cytogenetic location: 5p15.2.
Variant type: single nucleotide variant.
Coding change: c.9721-1G>C on transcript NM_001369.3 (MANE Select); the canonical splice acceptor site of the intron before coding-DNA position 9721, G replaced by C.
Molecular consequence: splice acceptor variant.
Genome position (GRCh38, 1-based): chr5:13,769,137, C>G on the plus strand (G>C on the coding strand, the complement: DNAH5 is on the minus strand). VCF-style: chr5-13769137-C-G. GRCh37 (hg19) VCF-style: chr5-13769246-C-G.
Identifiers: ClinVar variation 2721414 (VCV002721414.4), dbSNP rs2546656725, ClinGen allele CA359202543.